The following is an entry in ClinVar:

NM_004006.3(DMD):c.2774_2775del (p.Val925fs)

Gene: DMD (dystrophin; minus strand). Cytogenetic location: Xp21.1.
Variant type: Microsatellite.
Coding change: c.2774_2775del on transcript NM_004006.3 (MANE Select); coding-DNA positions 2774 to 2775, 2 bases deleted (TG; older notation c.2774_2775delTG).
Protein change: p.Val925fs; shifts the reading frame from valine 925.
Molecular consequence: frameshift variant.
Genome position (GRCh38, 1-based): chrX:32,484,947-32,484,948, CA deleted on the plus strand (TG on the coding strand, the reverse complement: DMD is on the minus strand); deleting any 2 consecutive bases within chrX:32,484,947-32,484,950 gives the same sequence; the c. name uses the placement nearest the transcript's 3' end. VCF-style (leftmost placement, unchanged base first): chrX-32484946-GCA-G. GRCh37 (hg19) VCF-style: chrX-32503063-GCA-G.
Other names: c.2750_2751del, p.Val917fs (NM_000109.4); c.2762_2763del, p.Val921fs (NM_004009.3); c.2405_2406del, p.Val802fs (NM_004010.3); short protein forms V802fs, V921fs, V917fs, V925fs.
Identifiers: ClinVar variation 1454238 (VCV001454238.6), dbSNP rs2148582821, ClinGen allele CA2580616939.

ClinVar aggregate classification (germline): Pathogenic (1 of 4 stars; one submission).

Conditions:
Duchenne muscular dystrophy (DMD). Also called: Duchenne Muscular Dystrophy (DMD); MUSCULAR DYSTROPHY, PSEUDOHYPERTROPHIC PROGRESSIVE, DUCHENNE TYPE. Identifiers: Orphanet 98896, MedGen C0013264, MONDO:0010679, OMIM 310200.

Submission:

Labcorp Genetics (formerly Invitae), Labcorp
Classification: Pathogenic for Duchenne muscular dystrophy. Last evaluated: 2021-02-12. Review status: criteria provided, single submitter. Criteria: Invitae Variant Classification Sherloc (09022015). Collection method: clinical testing. Allele origin: germline.
Comment: For these reasons, this variant has been classified as Pathogenic. This variant has not been reported in the literature in individuals with DMD-related conditions. This variant is not present in population databases (ExAC no frequency). This sequence change creates a premature translational stop signal (p.Val925Alafs*12) in the DMD gene. It is expected to result in an absent or disrupted protein product. Loss-of-function variants in DMD are known to be pathogenic (PMID: 16770791, 25007885).

Literature cited by the submitters: PubMed 16770791; PubMed 25007885.